The following is an entry in ClinVar:

ClinVar aggregate classification (germline): Uncertain significance (1 of 4 stars; one submission).

Submission:

CeGaT Center for Human Genetics Tuebingen
Classification: Uncertain significance. Last evaluated: 2024-07-01. Review status: criteria provided, single submitter. Criteria: CeGaT Center For Human Genetics Tuebingen Variant Classification Criteria Version 2. Collection method: clinical testing. Allele origin: germline. Affected: yes. Observed: 1 variant allele.
Comment: ANKRD11: PM2

NM_013275.6(ANKRD11):c.1541T>G (p.Leu514Arg)

Gene: ANKRD11 (ankyrin repeat domain 11; minus strand). Cytogenetic location: 16q24.3.
Variant type: single nucleotide variant.
Coding change: c.1541T>G on transcript NM_013275.6 (MANE Select); coding-DNA position 1541, T replaced by G.
Protein change: p.Leu514Arg; replaces leucine 514 with arginine.
Molecular consequence: missense variant.
Genome position (GRCh38, 1-based): chr16:89,285,001, A>C on the plus strand (T>G on the coding strand, the complement: ANKRD11 is on the minus strand). VCF-style: chr16-89285001-A-C. GRCh37 (hg19) VCF-style: chr16-89351409-A-C.
Other names: c.1541T>G, p.Leu514Arg (NM_001256182.2, NM_001256183.2); short protein forms L514R.
Identifiers: ClinVar variation 3257451 (VCV003257451.17).